The following is an entry in ClinVar:

NM_000553.6(WRN):c.2198del (p.Pro733fs)

Gene: WRN (WRN RecQ like helicase; plus strand). Cytogenetic location: 8p12.
Variant type: Deletion.
Coding change: c.2198del on transcript NM_000553.6 (MANE Select); coding-DNA position 2198, one base deleted (C; older notation c.2198delC).
Protein change: p.Pro733fs; shifts the reading frame from proline 733.
Molecular consequence: frameshift variant.
Genome position (GRCh38, 1-based): chr8:31,111,724, C deleted; the last of 2 consecutive C bases (chr8:31,111,723-31,111,724); deleting either gives the same sequence. VCF-style (leftmost placement, unchanged base first): chr8-31111722-AC-A. GRCh37 (hg19) VCF-style: chr8-30969238-AC-A.
Other names: short protein forms P733fs.
Identifiers: ClinVar variation 2765627 (VCV002765627.3), dbSNP rs2535969062, ClinGen allele CA2697549798.

ClinVar aggregate classification (germline): Pathogenic (1 of 4 stars; one submission).

Conditions:
Werner syndrome (WRN). Identifiers: Orphanet 902, MedGen C0043119, MONDO:0010196, OMIM 277700.

Submission:

Labcorp Genetics (formerly Invitae), Labcorp
Classification: Pathogenic for Werner syndrome. Last evaluated: 2023-10-04. Review status: criteria provided, single submitter. Criteria: Invitae Variant Classification Sherloc (09022015). Collection method: clinical testing. Allele origin: germline.
Comment: This sequence change creates a premature translational stop signal (p.Pro733Glnfs*5) in the WRN gene. It is expected to result in an absent or disrupted protein product. Loss-of-function variants in WRN are known to be pathogenic (PMID: 16673358). This variant is not present in population databases (gnomAD no frequency). This variant has not been reported in the literature in individuals affected with WRN-related conditions. For these reasons, this variant has been classified as Pathogenic.

Literature cited by the submitters: PubMed 16673358.